The following is an entry in ClinVar:

NM_005327.7(HADH):c.494G>A (p.Arg165Gln)

Gene: HADH (hydroxyacyl-CoA dehydrogenase; plus strand). Cytogenetic location: 4q25.
Variant type: single nucleotide variant.
Coding change: c.494G>A on transcript NM_005327.7 (MANE Select); coding-DNA position 494, G replaced by A.
Protein change: p.Arg165Gln; replaces arginine 165 with glutamine.
Molecular consequence: missense variant.
Genome position (GRCh38, 1-based): chr4:108,019,614, G>A. VCF-style: chr4-108019614-G-A. GRCh37 (hg19) VCF-style: chr4-108940770-G-A.
Other names: c.494G>A, p.Arg165Gln (NM_001184705.4); c.506G>A, p.Arg169Gln (NM_001331027.2); short protein forms R165Q, R169Q.
Identifiers: ClinVar variation 860765 (VCV000860765.4), dbSNP rs768880930, ClinGen allele CA3037483.

ClinVar aggregate classification (germline): Uncertain significance/Uncertain risk allele. Review status: criteria provided, multiple submitters, no conflicts (2 of 4 stars). 2 submissions from 2 submitters: Uncertain significance (1); Uncertain risk allele (1). Last evaluated 2022-10-17.

Conditions:
Hyperinsulinemic hypoglycemia. Also called: Hyperinsulinemia hypoglycemia; Hyperinsulinemic hypoglycemia (disease). Identifiers: Orphanet 443095, MedGen C1864903, MONDO:0005803, HP:0000825.
Deficiency of 3-hydroxyacyl-CoA dehydrogenase. Also called: HADH DEFICIENCY; 3-hydroxyacyl-CoA dehydrogenase deficiency. Identifiers: Orphanet 309127, Orphanet 71212, MedGen C1291230, MONDO:0017715, OMIM 231530.

Allele frequency attached by ClinVar (database versions not stated): gnomAD 0.00001; TOPMed 0.00001; ExAC 0.00003; gnomAD exomes 0.00003 and 0.00004.
gnomAD v4.1: 38 of 1,613,986 alleles (0.0024%); highest among the groups gnomAD compares: South Asian, 0.016%; no homozygotes.

Submissions (2):

Labcorp Genetics (formerly Invitae), Labcorp
Classification: Uncertain significance for Deficiency of 3-hydroxyacyl-CoA dehydrogenase. Last evaluated: 2022-10-17. Review status: criteria provided, single submitter. Criteria: Invitae Variant Classification Sherloc (09022015). Collection method: clinical testing. Allele origin: germline.
Comment: This sequence change replaces arginine, which is basic and polar, with glutamine, which is neutral and polar, at codon 165 of the HADH protein (p.Arg165Gln). This variant is present in population databases (rs768880930, gnomAD 0.02%). This variant has not been reported in the literature in individuals affected with HADH-related conditions. ClinVar contains an entry for this variant (Variation ID: 860765). Advanced modeling of protein sequence and biophysical properties (such as structural, functional, and spatial information, amino acid conservation, physicochemical variation, residue mobility, and thermodynamic stability) performed at Invitae indicates that this missense variant is not expected to disrupt HADH protein function. In summary, the available evidence is currently insufficient to determine the role of this variant in disease. Therefore, it has been classified as a Variant of Uncertain Significance.

Clinical Genomics, Uppaluri K&H Personalized Medicine Clinic
Classification: Uncertain risk allele for Hyperinsulinemic hypoglycemia. Review status: criteria provided, single submitter. Criteria: K & H Uppaluri Personalized Medicine Clinic Variant Classification & Assertion Criteria_Updated V.1. Collection method: research. Allele origin: unknown. Inheritance: Autosomal recessive inheritance.
Comment: Potent mutations in HADH gene are associated with congenital hyperinsulinism, which leads to recurrent hypoglycemia. The condition is exacerbated by stress, fasting or excessive dietary protein. May respond well to diazoxide. However, the role of this particular variant rs768880930 in congenital hyperinsulinism is yet to be ascertained.

Literature cited by the submitters: PubMed 34547194 (cited by Clinical Genomics, Uppaluri K&H Personalized Medicine Clinic); PubMed 34055426 (cited by Clinical Genomics, Uppaluri K&H Personalized Medicine Clinic); PubMed 29280746 (cited by Clinical Genomics, Uppaluri K&H Personalized Medicine Clinic).